The following is an entry in ClinVar:

NM_015509.4(NECAP1):c.715A>T (p.Thr239Ser)

Gene: NECAP1 (NECAP endocytosis associated 1; plus strand). Cytogenetic location: 12p13.31.
Variant type: single nucleotide variant.
Coding change: c.715A>T on transcript NM_015509.4 (MANE Select); coding-DNA position 715, A replaced by T.
Protein change: p.Thr239Ser; replaces threonine 239 with serine.
Molecular consequence: missense variant. On other transcripts: non-coding transcript variant (1).
Genome position (GRCh38, 1-based): chr12:8,095,639, A>T. VCF-style: chr12-8095639-A-T. GRCh37 (hg19) VCF-style: chr12-8248235-A-T.
Other names: short protein forms T239S.
Identifiers: ClinVar variation 541851 (VCV000541851.8), dbSNP rs1555169422, ClinGen allele CA383802417.
Genomic context (GRCh38, chr12:8,095,639, plus strand): 5'-TCTTTTCTTACCTTGTGTTTAGATATCCTTTTAGATTTGGATTCTCCTGCTCCTGTCACG[A>T]CACCAGCACCAACTCCAGTTTCTGTAAGCAATGACTTGTGGGGAGACTTCAGCACTGCCT-3'
Protein context (NP_056324.2, residues 229-249): LDLDSPAPVT[Thr239Ser]PAPTPVSVSN

ClinVar aggregate classification (germline): Uncertain significance (1 of 4 stars; one submission).

Conditions:
Developmental and epileptic encephalopathy, 21 (DEE21). Also called: Early infantile epileptic encephalopathy 21. Identifiers: Orphanet 442835, MedGen C4014430, MONDO:0014360, OMIM 615833.

Submission:

Labcorp Genetics (formerly Invitae), Labcorp
Classification: Uncertain significance for Developmental and epileptic encephalopathy, 21. Last evaluated: 2022-08-10. Review status: criteria provided, single submitter. Criteria: Invitae Variant Classification Sherloc (09022015). Collection method: clinical testing. Allele origin: germline.
Comment: In summary, the available evidence is currently insufficient to determine the role of this variant in disease. Therefore, it has been classified as a Variant of Uncertain Significance. Algorithms developed to predict the effect of missense changes on protein structure and function (SIFT, PolyPhen-2, Align-GVGD) all suggest that this variant is likely to be tolerated. ClinVar contains an entry for this variant (Variation ID: 541851). This variant has not been reported in the literature in individuals affected with NECAP1-related conditions. This variant is not present in population databases (gnomAD no frequency). This sequence change replaces threonine, which is neutral and polar, with serine, which is neutral and polar, at codon 239 of the NECAP1 protein (p.Thr239Ser).